The following is an entry in ClinVar:

ClinVar aggregate classification (germline): Uncertain significance (1 of 4 stars; one submission).

Submission:

Labcorp Genetics (formerly Invitae), Labcorp
Classification: Uncertain significance. Last evaluated: 2021-02-24. Review status: criteria provided, single submitter. Criteria: Invitae Variant Classification Sherloc (09022015). Collection method: clinical testing. Allele origin: germline.
Comment: This sequence change replaces glutamic acid with lysine at codon 523 of the GALNT12 protein (p.Glu523Lys). The glutamic acid residue is moderately conserved and there is a small physicochemical difference between glutamic acid and lysine. This variant is not present in population databases (ExAC no frequency). This variant has not been reported in the literature in individuals with GALNT12-related conditions. Algorithms developed to predict the effect of missense changes on protein structure and function output the following: SIFT: "Tolerated"; PolyPhen-2: "Benign"; Align-GVGD: "Class C0". The lysine amino acid residue is found in multiple mammalian species, suggesting that this missense change does not adversely affect protein function. These predictions have not been confirmed by published functional studies and their clinical significance is uncertain. In summary, the available evidence is currently insufficient to determine the role of this variant in disease. Therefore, it has been classified as a Variant of Uncertain Significance.

NM_024642.5(GALNT12):c.1567G>A (p.Glu523Lys)

Gene: GALNT12 (polypeptide N-acetylgalactosaminyltransferase 12; plus strand). Cytogenetic location: 9q22.33.
Variant type: single nucleotide variant.
Coding change: c.1567G>A on transcript NM_024642.5 (MANE Select); coding-DNA position 1567, G replaced by A.
Protein change: p.Glu523Lys; replaces glutamic acid 523 with lysine.
Molecular consequence: missense variant.
Genome position (GRCh38, 1-based): chr9:98,846,085, G>A. VCF-style: chr9-98846085-G-A. GRCh37 (hg19) VCF-style: chr9-101608367-G-A.
Other names: short protein forms E523K.
Identifiers: ClinVar variation 1475552 (VCV001475552.8), dbSNP rs1836407668, ClinGen allele CA374221825.